The following is an entry in ClinVar:

ClinVar aggregate classification (germline): Uncertain significance. Review status: criteria provided, multiple submitters, no conflicts (2 of 4 stars). 3 submissions from 3 submitters: Uncertain significance (2). 1 of the submissions does not count toward it. Last evaluated 2025-08-18.

Conditions:
Alstrom syndrome (ALMS). Identifiers: Orphanet 64, MedGen C0268425, MONDO:0008763, OMIM 203800.

Submissions (3):

Labcorp Genetics (formerly Invitae), Labcorp
Classification: Uncertain significance for Alstrom syndrome. Last evaluated: 2025-08-18. Review status: criteria provided, single submitter. Criteria: Invitae Variant Classification Sherloc (09022015). Collection method: clinical testing. Allele origin: germline.
Comment: This sequence change replaces glutamine, which is neutral and polar, with histidine, which is basic and polar, at codon 4074 of the ALMS1 protein (p.Gln4074His). This variant is not present in population databases (gnomAD no frequency). This variant has not been reported in the literature in individuals affected with ALMS1-related conditions. ClinVar contains an entry for this variant (Variation ID: 240981). Experimental studies and prediction algorithms are not available or were not evaluated, and the functional significance of this variant is currently unknown. In summary, the available evidence is currently insufficient to determine the role of this variant in disease. Therefore, it has been classified as a Variant of Uncertain Significance.

GeneDx
Classification: Uncertain significance. Last evaluated: 2024-02-29. Review status: criteria provided, single submitter. Criteria: GeneDx Variant Classification Process June 2021. Collection method: clinical testing. Allele origin: germline. Affected: yes.
Comment: Not observed at significant frequency in large population cohorts (gnomAD); In silico analysis supports that this missense variant has a deleterious effect on protein structure/function; Has not been previously published as pathogenic or benign to our knowledge

Counsyl
Classification: Uncertain significance for Alstrom syndrome. Last evaluated: 2018-01-24. Review status: no assertion criteria provided. Collection method: clinical testing. Allele origin: unknown. Not counted in ClinVar's aggregate classification.

NM_001378454.1(ALMS1):c.12219G>T (p.Gln4073His)

Genes: ALMS1 (ALMS1 centrosome and basal body associated protein; plus strand), LOC126806252 (BRD4-independent group 4 enhancer GRCh37_chr2:73828496-73829695; plus strand). Cytogenetic location: 2p13.1.
Variant type: single nucleotide variant.
Coding change: c.12219G>T on transcript NM_001378454.1 (MANE Select); coding-DNA position 12219, G replaced by T.
Protein change: p.Gln4073His; replaces glutamine 4073 with histidine.
Molecular consequence: missense variant.
Genome position (GRCh38, 1-based): chr2:73,602,289, G>T. VCF-style: chr2-73602289-G-T. GRCh37 (hg19) VCF-style: chr2-73829416-G-T.
Other names: c.12222G>T, p.Gln4074His (NM_015120.4); short protein forms Q4074H, Q4073H.
Identifiers: ClinVar variation 240981 (VCV000240981.7), dbSNP rs878854996, ClinGen allele CA10582107.